The following is an entry in ClinVar:

ClinVar aggregate classification (germline): Pathogenic (1 of 4 stars; one submission).

Conditions:
Birt-Hogg-Dube syndrome. Also called: Birt Hogg Dubé syndrome. Identifiers: Orphanet 122, MedGen C0346010, MONDO:0800444.

Submission:

Labcorp Genetics (formerly Invitae), Labcorp
Classification: Pathogenic for Birt-Hogg-Dube syndrome. Last evaluated: 2022-02-25. Review status: criteria provided, single submitter. Criteria: Invitae Variant Classification Sherloc (09022015). Collection method: clinical testing. Allele origin: germline.
Comment: For these reasons, this variant has been classified as Pathogenic. ClinVar contains an entry for this variant (Variation ID: 946478). This premature translational stop signal has been observed in individual(s) with fibrofolliculomas (PMID: 27734835). This variant is not present in population databases (gnomAD no frequency). This sequence change creates a premature translational stop signal (p.Lys78Serfs*52) in the FLCN gene. It is expected to result in an absent or disrupted protein product. Loss-of-function variants in FLCN are known to be pathogenic (PMID: 15852235).

Literature cited by the submitters: PubMed 27734835; PubMed 15852235.

NM_144997.7(FLCN):c.228del (p.Lys78fs)

Gene: FLCN (folliculin; minus strand). Cytogenetic location: 17p11.2.
Variant type: Deletion.
Coding change: c.228del on transcript NM_144997.7 (MANE Select); coding-DNA position 228, one base deleted (C; older notation c.228delC).
Protein change: p.Lys78fs; shifts the reading frame from lysine 78.
Molecular consequence: frameshift variant.
Genome position (GRCh38, 1-based): chr17:17,227,910, G deleted on the plus strand (C on the coding strand, the reverse complement: FLCN is on the minus strand); the first of 3 consecutive G bases (chr17:17,227,910-17,227,912); deleting any one gives the same sequence. VCF-style (leftmost placement, unchanged base first): chr17-17227909-TG-T. GRCh37 (hg19) VCF-style: chr17-17131223-TG-T.
Other names: c.228del, p.Lys78fs (NM_001353229.2, NM_001353230.2, NM_001353231.2 and 1 more transcripts); short protein forms K78fs.
Identifiers: ClinVar variation 946478 (VCV000946478.7), dbSNP rs2047302808, ClinGen allele CA1139665250.